The following is an entry in ClinVar:

NM_000143.4(FH):c.543TAA[1] (p.Asn182del)

Gene: FH (fumarate hydratase; minus strand). Cytogenetic location: 1q43.
Variant type: Microsatellite.
Coding change: c.543TAA[1] on transcript NM_000143.4 (MANE Select); one copy of the 3-base unit TAA starting at c.543; the reference has two copies in a row; one copy, 3 bases deleted.
Protein change: p.Asn182del; deletes asparagine 182.
Genome position (GRCh38, 1-based): chr1:241,511,974-241,511,976, TTA deleted on the plus strand (TAA on the coding strand, the reverse complement: FH is on the minus strand); deleting any 3 consecutive bases within chr1:241,511,974-241,511,979 gives the same sequence; the position shown is the placement nearest the transcript's 3' end. VCF-style (leftmost placement, unchanged base first): chr1-241511973-TTTA-T. GRCh37 (hg19) VCF-style: chr1-241675273-TTTA-T.
Other names: short protein forms N182del.
Identifiers: ClinVar variation 3653083 (VCV003653083.2).
Genomic context (GRCh38, chr1:241,511,973, plus strand): 5'-CTCAGGTATGCTTTTCAATTTATAACCAAAAAACAGCAAAGCTCACATACTGACCTGGCT[TTTA>T]TTAACATGATCGTTGGGATGCACAGGTATCTTGCTGCCAAGTTCACCTCCTAACATTTCA-3'

ClinVar aggregate classification (germline): Uncertain significance (1 of 4 stars; one submission).

Submission:

Labcorp Genetics (formerly Invitae), Labcorp
Classification: Uncertain significance. Last evaluated: 2024-05-13. Review status: criteria provided, single submitter. Criteria: Invitae Variant Classification Sherloc (09022015). Collection method: clinical testing. Allele origin: germline.
Comment: This variant, c.546_548del, results in the deletion of 1 amino acid(s) of the FH protein (p.Asn182del), but otherwise preserves the integrity of the reading frame. This variant is not present in population databases (gnomAD no frequency). This variant has been observed in individual(s) with clinical features of hereditary leiomyomatosis and renal cell cancer (Invitae). Experimental studies and prediction algorithms are not available or were not evaluated, and the functional significance of this variant is currently unknown. In summary, the available evidence is currently insufficient to determine the role of this variant in disease. Therefore, it has been classified as a Variant of Uncertain Significance.